The following is an entry in ClinVar:

ClinVar aggregate classification (germline): Pathogenic/Likely pathogenic. Review status: criteria provided, multiple submitters, no conflicts (2 of 4 stars). 4 submissions from 4 submitters: Pathogenic (2); Likely pathogenic (2). Last evaluated 2024-06-03.

Conditions:
Progressive sclerosing poliodystrophy (MTDPS4A). Also called: Alpers Syndrome; Mitochondrial DNA depletion syndrome 4A (Alpers type); ALPERS PROGRESSIVE INFANTILE POLIODYSTROPHY; Mitochondrial DNA Depletion Syndrome 4A; Alpers-Huttenlocher Syndrome (AHS); NEURONAL DEGENERATION OF CHILDHOOD WITH LIVER DISEASE, PROGRESSIVE. Identifiers: Orphanet 726, MedGen C0205710, MONDO:0008758, OMIM 203700.
Sensory ataxic neuropathy, dysarthria, and ophthalmoparesis (SANDO). Also called: Sensory ataxic neuropathy-dysarthria-ophthalmoparesis syndrome; SENSORY ATAXIC NEUROPATHY WITH MITOCHONDRIAL DNA DELETIONS, AUTOSOMAL RECESSIVE; Ataxia Neuropathy Spectrum (ANS); Epilepsy, progressive myoclonic, type 5. Identifiers: Orphanet 70595, MedGen C1843851, MONDO:0011835, OMIM 607459.
Progressive external ophthalmoplegia with mitochondrial DNA deletions, autosomal dominant 1 (PEOA1). Also called: PROGRESSIVE EXTERNAL OPHTHALMOPLEGIA, AUTOSOMAL DOMINANT 1; Autosomal Dominant Progressive External Ophthalmoplegia (adPEO). Identifiers: MedGen C1834846, MONDO:0024528, OMIM 157640.
Progressive external ophthalmoplegia with mitochondrial DNA deletions, autosomal recessive 1 (PEOB1). Also called: Autosomal Recessive Progressive External Ophthalmoplegia (arPEO); Progressive external ophthalmoplegia, autosomal recessive 1. Identifiers: Orphanet 254886, MedGen C4225153, MONDO:0009783, OMIM 258450.
Mitochondrial DNA depletion syndrome 4b. Also called: Mitochondrial Neurogastrointestinal Encephalopathy Disease, POLG-Related; MNGIE, POLG-RELATED. Identifiers: Orphanet 298, MedGen C3150914, MONDO:0013350, OMIM 613662.
POLG-related disorder. Also called: POLG-related condition; POLG-Related Disorders; POLG-Related Spectrum Disorders. Identifiers: MedGen C4763519.

Allele frequency attached by ClinVar (database versions not stated): TOPMed below 0.00001.

Submissions (4):

Myriad Genetics, Inc.
Classification: Pathogenic for POLG-related disorder. Last evaluated: 2024-06-03. Review status: criteria provided, single submitter. Criteria: Myriad Autosomal Dominant, Autosomal Recessive and X-Linked Classification Criteria (2023). Collection method: clinical testing. Allele origin: unknown.
Comment: NM_002693.2(POLG):c.2884dupG(A962Gfs*2) is expected to be pathogenic in the context of POLG-related disorders. This variant is predicted to lead to an abnormal or absent protein product due to the creation of a premature termination codon in POLG, a gene where loss-of-function variants are known to be pathogenic. Please note: this variant was assessed in the context of healthy population screening.

Fulgent Genetics
Classification: Likely pathogenic for Progressive external ophthalmoplegia with mitochondrial DNA deletions, autosomal dominant 1; Progressive sclerosing poliodystrophy; Progressive external ophthalmoplegia with mitochondrial DNA deletions, autosomal recessive 1; Sensory ataxic neuropathy, dysarthria, and ophthalmoparesis; Mitochondrial DNA depletion syndrome 4b. Last evaluated: 2024-03-06. Review status: criteria provided, single submitter. Criteria: ACMG Guidelines, 2015. Collection method: clinical testing. Allele origin: germline.

Baylor Genetics
Classification: Likely pathogenic for Progressive sclerosing poliodystrophy. Last evaluated: 2023-03-13. Review status: criteria provided, single submitter. Criteria: ACMG Guidelines, 2015. Collection method: clinical testing. Allele origin: unknown.

Labcorp Genetics (formerly Invitae), Labcorp
Classification: Pathogenic for Progressive sclerosing poliodystrophy. Last evaluated: 2019-01-02. Review status: criteria provided, single submitter. Criteria: Invitae Variant Classification Sherloc (09022015). Collection method: clinical testing. Allele origin: germline.
Comment: For these reasons, this variant has been classified as Pathogenic. Loss-of-function variants in POLG are known to be pathogenic (PMID: 18546365). This variant has not been reported in the literature in individuals with POLG-related conditions. This variant is not present in population databases (ExAC no frequency). This sequence change creates a premature translational stop signal (p.Ala962Glyfs*2) in the POLG gene. It is expected to result in an absent or disrupted protein product.

Literature cited by the submitters: PubMed 18546365 (cited by Labcorp Genetics (formerly Invitae), Labcorp).

NM_002693.3(POLG):c.2884dup (p.Ala962fs)

Gene: POLG (DNA polymerase gamma, catalytic subunit; minus strand). Cytogenetic location: 15q26.1.
Variant type: Duplication.
Coding change: c.2884dup on transcript NM_002693.3 (MANE Select); coding-DNA position 2884, one base duplicated (G; older notation c.2884dupG).
Protein change: p.Ala962fs; shifts the reading frame from alanine 962.
Molecular consequence: frameshift variant.
Genome position (GRCh38, 1-based): chr15:89,320,863, C duplicated on the plus strand (G on the coding strand, the reverse complement: POLG is on the minus strand). VCF-style (leftmost placement, unchanged base first): chr15-89320862-G-GC. GRCh37 (hg19) VCF-style: chr15-89864093-G-GC.
Other names: c.2884dup, p.Ala962fs (NM_001126131.2); short protein forms A962fs.
Identifiers: ClinVar variation 845148 (VCV000845148.11), dbSNP rs1252078081, ClinGen allele CA716883656.
Genomic context (GRCh38, chr15:89,320,862, plus strand): 5'-GCCTTCTCAGCTGCCTCCTGCTGTGTGAGCCGGTGGTTAAACTGCATTAGTAAGCGCTCA[G>GC]CAAAGGGCTGCCCAGCACCATAGATGCGGCCGTAGTTGAAGATTTTGGCATGCTCACGGC-3'